The following is an entry in ClinVar:

NM_025179.4(PLXNA2):c.3849C>T (p.Ser1283=)

Gene: PLXNA2 (plexin A2; minus strand). Cytogenetic location: 1q32.2.
Variant type: single nucleotide variant.
Coding change: c.3849C>T on transcript NM_025179.4 (MANE Select); coding-DNA position 3849, C replaced by T.
Protein change: p.Ser1283=; no amino-acid change (serine 1283 retained).
Molecular consequence: synonymous variant.
Genome position (GRCh38, 1-based): chr1:208,044,533, G>A on the plus strand (C>T on the coding strand, the complement: PLXNA2 is on the minus strand). VCF-style: chr1-208044533-G-A. GRCh37 (hg19) VCF-style: chr1-208217878-G-A.
Identifiers: ClinVar variation 3353988 (VCV003353988.1).

ClinVar aggregate classification (germline): Likely benign (0 of 4 stars; one submission).

Conditions:
PLXNA2-related disorder. Also called: PLXNA2-related condition.

gnomAD v4.1: 16 of 1,613,980 alleles (0.00099%); highest among the groups gnomAD compares: African/African-American, 0.0013%; no homozygotes.

Submission:

PreventionGenetics, part of Exact Sciences
Classification: Likely benign for PLXNA2-related condition. Last evaluated: 2022-09-12. Review status: no assertion criteria provided. Collection method: clinical testing. Allele origin: germline.
Comment: This variant is classified as likely benign based on ACMG/AMP sequence variant interpretation guidelines (Richards et al. 2015 PMID: 25741868, with internal and published modifications).